The following is an entry in ClinVar:

NC_000008.10:g.(?_1711954)_(1734737_?)dup

Gene: CLN8 (CLN8 transmembrane ER and ERGIC protein; plus strand). Cytogenetic location: 8p23.3.
Variant type: Duplication.
Identifiers: ClinVar variation 3769081 (VCV003769081.2).

ClinVar aggregate classification (germline): Uncertain significance (1 of 4 stars; one submission).

Submission:

Women's Health and Genetics/Laboratory Corporation of America, LabCorp
Classification: Uncertain significance. Last evaluated: 2025-01-15. Review status: criteria provided, single submitter. Criteria: LabCorp Variant Classification Summary - May 2015. Collection method: clinical testing. Allele origin: germline.
Comment: Variant summary: The variant involves the duplication of exons 1-3 in the CLN8 gene. This duplication includes the entire coding sequence of the gene. As exact breakpoints are unknown, it may extend beyond the annotated region of the gene, to include other flanking genes. A presumed nomenclature of c.(?_-221)_(*6004_?)dup has been designated for the purposes of this classification. The variant allele was found at a frequency of 4.6e-05 in 21694 control chromosomes. The available data on variant occurrences in the general population are insufficient to allow any conclusion about variant significance. To our knowledge, no occurrence of c.(?_-221)_(*6004_?)dup in individuals affected with Neuronal ceroid lipofuscinosis 8 and no experimental evidence demonstrating its impact on protein function have been reported. ClinVar contains an entry for this variant (Variation ID: Uncertain significance). Based on the evidence outlined above, the variant was classified as uncertain significance.